The following is an entry in ClinVar:

ClinVar aggregate classification (germline): Likely benign (1 of 4 stars; one submission).

Submission:

CeGaT Center for Human Genetics Tuebingen
Classification: Likely benign. Last evaluated: 2022-07-01. Review status: criteria provided, single submitter. Criteria: CeGaT Center For Human Genetics Tuebingen Variant Classification Criteria Version 2. Collection method: clinical testing. Allele origin: germline. Affected: yes. Observed: 1 variant allele.
Comment: FOXP3: PM2:Supporting, BP4, BP7

NM_014009.4(FOXP3):c.699C>T (p.Leu233=)

Gene: FOXP3 (forkhead box P3; minus strand). Cytogenetic location: Xp11.23.
Variant type: single nucleotide variant.
Coding change: c.699C>T on transcript NM_014009.4 (MANE Select); coding-DNA position 699, C replaced by T.
Protein change: p.Leu233=; no amino-acid change (leucine 233 retained).
Molecular consequence: synonymous variant.
Genome position (GRCh38, 1-based): chrX:49,255,751, G>A on the plus strand (C>T on the coding strand, the complement: FOXP3 is on the minus strand). VCF-style: chrX-49255751-G-A. GRCh37 (hg19) VCF-style: chrX-49112212-G-A.
Other names: c.594C>T, p.Leu198= (NM_001114377.2).
Identifiers: ClinVar variation 2660532 (VCV002660532.24), dbSNP rs2147947506, ClinGen allele CA516397397.